The following is an entry in ClinVar:

NM_015213.4(DENND5A):c.1266del (p.Glu423fs)

Gene: DENND5A (DENN domain containing 5A; minus strand). Cytogenetic location: 11p15.4.
Variant type: Deletion.
Coding change: c.1266del on transcript NM_015213.4 (MANE Select); coding-DNA position 1266, one base deleted (T; older notation c.1266delT).
Protein change: p.Glu423fs; shifts the reading frame from glutamic acid 423.
Molecular consequence: frameshift variant. On other transcripts: non-coding transcript variant (1).
Genome position (GRCh38, 1-based): chr11:9,180,956, A deleted on the plus strand (T on the coding strand, the reverse complement: DENND5A is on the minus strand). VCF-style (leftmost placement, unchanged base first): chr11-9180955-CA-C. GRCh37 (hg19) VCF-style: chr11-9202502-CA-C.
Other names: c.1266del, p.Glu423fs (NM_001243254.2); c.1194del, p.Glu399fs (NM_001348749.2); c.978del, p.Glu327fs (NM_001348750.2); c.1266delT (NM_015213.4); short protein forms E327fs, E399fs, E423fs.
Identifiers: ClinVar variation 4819290 (VCV004819290.1).

ClinVar aggregate classification (germline): Likely pathogenic (1 of 4 stars; one submission).

Conditions:
Bilateral frontoparietal polymicrogyria. Also called: CEREBELLAR ATAXIA WITH NEURONAL MIGRATION DEFECT; CORTICAL DYSPLASIA, COMPLEX, WITH OTHER BRAIN MALFORMATIONS 14A (BILATERAL FRONTOPARIETAL). Identifiers: Orphanet 101070, MedGen C1847352, MONDO:0011738, OMIM 606854.

Submission:

Qatar Biomedical Research Institute, Hamad Bin Khalifa University
Classification: Likely pathogenic for Bilateral frontoparietal polymicrogyria. Last evaluated: 2026-03-01. Review status: criteria provided, single submitter. Criteria: ACMG Guidelines, 2015. Collection method: research. Allele origin: inherited. Inheritance: Autosomal recessive inheritance. Affected: yes. Observed: 1 variant allele, 1 homozygote.
Comment: We identified a novel homozygous single-nucleotide deletion within exon 6 of the DENND5A gene (NM_015213.4: c.1266delT). This frameshift variant is predicted to result in nonsense-mediated mRNA decay (NMD). The novel DENND5A variant was validated using Sanger sequencing. Based on the ACMG/AMP standards and guidelines, it was classified as pathogenic based on the following criteria: PVS1 (Very Strong), PM2 (Moderate), PM3 (Moderate).